The following is an entry in ClinVar:

ClinVar aggregate classification (germline): Uncertain significance (1 of 4 stars; one submission).

Conditions:
Pheochromocytoma. Also called: MAX-Related Hereditary Paraganglioma-Pheochromocytoma Syndrome. Identifiers: Orphanet 29072, MedGen C0031511, MONDO:0008233, OMIM 171300, HP:0002666.
Pheochromocytoma/paraganglioma syndrome 4. Also called: CAROTID BODY TUMORS AND MULTIPLE EXTRAADRENAL PHEOCHROMOCYTOMAS; PARAGANGLIOMA, FAMILIAL MALIGNANT; PARAGANGLIOMAS, HEREDITARY EXTRAADRENAL; PHEOCHROMOCYTOMA, FAMILIAL EXTRAADRENAL; Paragangliomas 4; SDHB-Related Hereditary Paraganglioma-Pheochromocytoma Syndrome (Paragangliomas 4). Identifiers: Orphanet 29072, MedGen C1861848, MONDO:0007273, OMIM 115310.
Gastrointestinal stromal tumor. Also called: Gastrointestinal stroma tumor; Gastrointestinal stromal tumor, somatic. Identifiers: Orphanet 44890, MedGen C0238198, MeSH D046152, MONDO:0011719, OMIM 606764, HP:0100723.

Submission:

Labcorp Genetics (formerly Invitae), Labcorp
Classification: Uncertain significance for Gastrointestinal stromal tumor; Pheochromocytoma/paraganglioma syndrome 4; Pheochromocytoma. Last evaluated: 2021-07-06. Review status: criteria provided, single submitter. Criteria: Invitae Variant Classification Sherloc (09022015). Collection method: clinical testing. Allele origin: germline.
Comment: Advanced modeling of protein sequence and biophysical properties (such as structural, functional, and spatial information, amino acid conservation, physicochemical variation, residue mobility, and thermodynamic stability) performed at Invitae indicates that this missense variant is not expected to disrupt SDHB protein function. In summary, the available evidence is currently insufficient to determine the role of this variant in disease. Therefore, it has been classified as a Variant of Uncertain Significance. This variant has not been reported in the literature in individuals affected with SDHB-related conditions. This variant is not present in population databases (ExAC no frequency). This sequence change replaces threonine with alanine at codon 114 of the SDHB protein (p.Thr114Ala). The threonine residue is moderately conserved and there is a small physicochemical difference between threonine and alanine.

NM_003000.3(SDHB):c.340A>G (p.Thr114Ala)

Gene: SDHB (succinate dehydrogenase complex iron sulfur subunit B; minus strand). Cytogenetic location: 1p36.13.
Variant type: single nucleotide variant.
Coding change: c.340A>G on transcript NM_003000.3 (MANE Select); coding-DNA position 340, A replaced by G.
Protein change: p.Thr114Ala; replaces threonine 114 with alanine.
Molecular consequence: missense variant.
Genome position (GRCh38, 1-based): chr1:17,028,683, T>C on the plus strand (A>G on the coding strand, the complement: SDHB is on the minus strand). VCF-style: chr1-17028683-T-C. GRCh37 (hg19) VCF-style: chr1-17355178-T-C.
Other names: short protein forms T114A.
Identifiers: ClinVar variation 1366068 (VCV001366068.8), dbSNP rs2078005007, ClinGen allele CA338274746.